The following is an entry in ClinVar:

NM_000891.3(KCNJ2):c.317T>C (p.Ile106Thr)

Gene: KCNJ2 (potassium inwardly rectifying channel subfamily J member 2; plus strand). Cytogenetic location: 17q24.3.
Variant type: single nucleotide variant.
Coding change: c.317T>C on transcript NM_000891.3 (MANE Select); coding-DNA position 317, T replaced by C.
Protein change: p.Ile106Thr; replaces isoleucine 106 with threonine.
Molecular consequence: missense variant.
Genome position (GRCh38, 1-based): chr17:70,175,356, T>C. VCF-style: chr17-70175356-T-C. GRCh37 (hg19) VCF-style: chr17-68171497-T-C.
Other names: short protein forms I106T.
Identifiers: ClinVar variation 1952020 (VCV001952020.5), dbSNP rs1239684338, ClinGen allele CA400860336.
Genomic context (GRCh38, chr17:70,175,356, plus strand): 5'-TTATCTTCTGCCTGGCTTTCGTCCTGTCATGGCTGTTTTTTGGCTGTGTGTTTTGGTTGA[T>C]AGCTCTGCTCCATGGGGACCTGGATGCATCCAAAGAGGGCAAAGCTTGTGTGTCCGAGGT-3'
Protein context (NP_000882.1, residues 96-116): WLFFGCVFWL[Ile106Thr]ALLHGDLDAS

ClinVar aggregate classification (germline): Uncertain significance (1 of 4 stars; one submission).

Conditions:
Andersen Tawil syndrome (LQT7). Also called: ANDERSEN CARDIODYSRHYTHMIC PERIODIC PARALYSIS; LONG QT SYNDROME 7; PERIODIC PARALYSIS, POTASSIUM-SENSITIVE CARDIODYSRHYTHMIC TYPE; Andersen Syndrome; Potassium-sensitive periodic paralysis, ventricular ectopy, and dysmorphic features. Identifiers: Orphanet 37553, MedGen C1563715, MONDO:0008222, OMIM 170390.
Short QT syndrome type 3. Identifiers: Orphanet 51083, MedGen C1865018, MONDO:0012314, OMIM 609622.

Allele frequency attached by ClinVar (database versions not stated): gnomAD exomes 0.00001.

Submission:

Labcorp Genetics (formerly Invitae), Labcorp
Classification: Uncertain significance for Short QT syndrome type 3; Andersen Tawil syndrome. Last evaluated: 2022-07-15. Review status: criteria provided, single submitter. Criteria: Invitae Variant Classification Sherloc (09022015). Collection method: clinical testing. Allele origin: germline.
Comment: This sequence change replaces isoleucine, which is neutral and non-polar, with threonine, which is neutral and polar, at codon 106 of the KCNJ2 protein (p.Ile106Thr). This variant is present in population databases (no rsID available, gnomAD 0.0009%). This variant has not been reported in the literature in individuals affected with KCNJ2-related conditions. Algorithms developed to predict the effect of missense changes on protein structure and function (SIFT, PolyPhen-2, Align-GVGD) all suggest that this variant is likely to be disruptive. In summary, the available evidence is currently insufficient to determine the role of this variant in disease. Therefore, it has been classified as a Variant of Uncertain Significance.